The following is an entry in ClinVar:

ClinVar aggregate classification (germline): Uncertain significance (1 of 4 stars; one submission).

Allele frequency attached by ClinVar (database versions not stated): ExAC 0.00001; gnomAD 0.00001; gnomAD exomes 0.00001.
gnomAD v4.1: 13 of 1,613,362 alleles (0.00081%); highest among the groups gnomAD compares: Non-Finnish European, 0.0011%; no homozygotes.

Submission:

Labcorp Genetics (formerly Invitae), Labcorp
Classification: Uncertain significance. Last evaluated: 2024-01-10. Review status: criteria provided, single submitter. Criteria: Invitae Variant Classification Sherloc (09022015). Collection method: clinical testing. Allele origin: germline.
Comment: This sequence change replaces asparagine, which is neutral and polar, with lysine, which is basic and polar, at codon 618 of the LONP1 protein (p.Asn618Lys). This variant is present in population databases (rs768203965, gnomAD 0.003%). This variant has not been reported in the literature in individuals affected with LONP1-related conditions. Advanced modeling of protein sequence and biophysical properties (such as structural, functional, and spatial information, amino acid conservation, physicochemical variation, residue mobility, and thermodynamic stability) performed at Invitae indicates that this missense variant is not expected to disrupt LONP1 protein function with a negative predictive value of 80%. In summary, the available evidence is currently insufficient to determine the role of this variant in disease. Therefore, it has been classified as a Variant of Uncertain Significance.

NM_004793.4(LONP1):c.1854C>A (p.Asn618Lys)

Gene: LONP1 (lon peptidase 1, mitochondrial; minus strand). Cytogenetic location: 19p13.3.
Variant type: single nucleotide variant.
Coding change: c.1854C>A on transcript NM_004793.4 (MANE Select); coding-DNA position 1854, C replaced by A.
Protein change: p.Asn618Lys; replaces asparagine 618 with lysine.
Molecular consequence: missense variant. On other transcripts: non-coding transcript variant (1).
Genome position (GRCh38, 1-based): chr19:5,696,291, G>T on the plus strand (C>A on the coding strand, the complement: LONP1 is on the minus strand). VCF-style: chr19-5696291-G-T. GRCh37 (hg19) VCF-style: chr19-5696302-G-T.
Other names: c.1662C>A, p.Asn554Lys (NM_001276479.2); c.1266C>A, p.Asn422Lys (NM_001276480.1); short protein forms N554K, N618K, N422K.
Identifiers: ClinVar variation 3002393 (VCV003002393.3), dbSNP rs768203965, ClinGen allele CA9114451.